The following is an entry in ClinVar:

NM_001849.4(COL6A2):c.866G>A (p.Gly289Asp)

Gene: COL6A2 (collagen type VI alpha 2 chain; plus strand). Cytogenetic location: 21q22.3.
Variant type: single nucleotide variant.
Coding change: c.866G>A on transcript NM_001849.4 (MANE Select); coding-DNA position 866, G replaced by A.
Protein change: p.Gly289Asp; replaces glycine 289 with aspartic acid.
Molecular consequence: missense variant.
Genome position (GRCh38, 1-based): chr21:46,116,019, G>A. VCF-style: chr21-46116019-G-A. GRCh37 (hg19) VCF-style: chr21-47535933-G-A.
Other names: c.866G>A, p.Gly289Asp (NM_058174.3, NM_058175.3); short protein forms G289D.
Identifiers: ClinVar variation 287030 (VCV000287030.6), dbSNP rs886043554, ClinGen allele CA10605653.
Genomic context (GRCh38, chr21:46,116,019, plus strand): 5'-CAGCCCAGCGCCCCAGGGCTGGGCTCACACTGCTGCGTTGTCCTTCACAGGGAGACCCGG[G>A]CATCGAAGGCCCCATTGGATTCCCAGGACCCAAGGTGAGTGACCTCGGCCAGGGGCTTGG-3'
Protein context (NP_001840.3, residues 279-299): PGQKGRQGDP[Gly289Asp]IEGPIGFPGP

ClinVar aggregate classification (germline): Likely pathogenic. Review status: criteria provided, multiple submitters, no conflicts (2 of 4 stars). 2 submissions from 2 submitters: Likely pathogenic (2). Last evaluated 2024-06-11.

Conditions:
Ullrich congenital muscular dystrophy 1B (UCMD1B). Identifiers: MedGen C5935582, MONDO:0958235, OMIM 620727.

Submissions (2):

3billion
Classification: Likely pathogenic for Ullrich congenital muscular dystrophy 1B. Last evaluated: 2024-06-11. Review status: criteria provided, single submitter. Criteria: ACMG Guidelines, 2015. Collection method: clinical testing. Allele origin: germline. Affected: yes.
Comment: The variant is not observed in the gnomAD v4.0.0 dataset. Predicted Consequence/Location: The variant is located in a mutational hot spot and/or well-established functional domain in which established pathogenic variants have been reported. In silico tool predictions suggest damaging effect of the variant on gene or gene product [REVEL: 0.97 (>=0.6, sensitivity 0.68 and specificity 0.92); 3Cnet: 1.00 (>=0.6, sensitivity 0.72 and precision 0.9)]. The same nucleotide change resulting in the same amino acid change has been previously reported to be associated with COL6A2 related disorder (ClinVar ID: VCV000287030 /PMID: 28688748).Different missense changes at the same codon (p.Gly289Arg, p.Gly289Cys, p.Gly289Val) have been reported as pathogenic/likely pathogenic with strong evidence (ClinVar ID: VCV000285962, VCV000597472 /PMID: 20976770, 37366078). Therefore, this variant is classified as Likely pathogenic according to the recommendation of ACMG/AMP guideline.

Eurofins Ntd Llc (ga)
Classification: Likely pathogenic. Last evaluated: 2016-03-23. Review status: criteria provided, single submitter. Criteria: EGL Classification Definitions 2015. Collection method: clinical testing. Allele origin: germline. Observed: 1 variant allele, 1 heterozygote.

Literature cited by the submitters: PubMed 28688748 (cited by 3billion); PubMed 20976770 (cited by 3billion).